The following continues an entry in ClinVar:

NM_000152.5(GAA):c.1548G>A (p.Trp516Ter)

Gene: GAA. ClinVar aggregate classification (germline): Pathogenic. Pathogenic (1).

Submissions 10 to 23 of 23:

GeneDx
Classification: Pathogenic. Last evaluated: 2022-01-31. Review status: criteria provided, single submitter. Criteria: GeneDx Variant Classification Process June 2021. Collection method: clinical testing. Allele origin: germline. Affected: yes. Not counted in ClinVar's aggregate classification.
Comment: Reported in multiple unrelated patients with glycogen storage disease type II (GSDII) (Hermans et al. 2004; van et al. 2015; Elder et al. 2013; Bergsma et al. 2015; de Vries JM et al. 2010); Not observed at significant frequency in large population cohorts (gnomAD); Nonsense variant predicted to result in protein truncation or nonsense mediated decay in a gene for which loss-of-function is a known mechanism of disease; This variant is associated with the following publications: (PMID: 22252923, 18757064, 34134972, 31965297, 32888769, 31086307, 25525159, 25155446, 29181627, 25541616, 22676651, 24715333, 20826098, 23601496, 15048888, 25243733, 14695532)

Dasa
Classification: Pathogenic for Glycogen storage disease, type II. Last evaluated: 2022-01-05. Review status: criteria provided, single submitter. Criteria: ACMG Guidelines, 2015. Collection method: clinical testing. Allele origin: germline. Affected: yes. Observed: 1 variant allele. Not counted in ClinVar's aggregate classification.
Comment: The c.1548G>A;p.(Trp516*) variant creates a premature translational stop signal in the GAA gene. It is expected to result in an absent or disrupted protein product -PVS1. This sequence change has been observed in affected individual(s) and ClinVar contains an entry for this variant (Clinvar ID 189025; PMID: 32317649; 30155607; 29181627; 29122469; 26873529) - PS4. The variant is present at low allele frequencies population databases (rs140826989 – gnomAD 0.003942%; ABraOM no frequency) -PM2_supporting. The p.(Trp516*) was detected in trans with a pathogenic variant (PMID: 32317649; 29181627; 29122469; 26873529) - PM3_strong. In summary, the currently available evidence indicates that the variant is pathogenic.

AiLife Diagnostics
Classification: Pathogenic. Last evaluated: 2021-09-08. Review status: criteria provided, single submitter. Criteria: ACMG Guidelines, 2015. Collection method: clinical testing. Allele origin: germline. Affected: yes. Observed: 1 variant allele. Not counted in ClinVar's aggregate classification.

MGZ Medical Genetics Center
Classification: Pathogenic for Glycogen storage disease, type II. Last evaluated: 2021-09-08. Review status: criteria provided, single submitter. Criteria: ACMG Guidelines, 2015. Collection method: clinical testing. Allele origin: germline. Affected: yes. Observed: 1 variant allele. Not counted in ClinVar's aggregate classification.
Comment: ACMG criteria applied: PVS1, PM3, PM2_SUP

Broad Center for Mendelian Genomics, Broad Institute of MIT and Harvard
Classification: Pathogenic for Glycogen storage disease, type II. Last evaluated: 2020-01-22. Review status: criteria provided, single submitter. Criteria: ACMG Guidelines, 2015. Collection method: curation. Allele origin: germline. Inheritance: Autosomal recessive inheritance. Not counted in ClinVar's aggregate classification.
Comment: The p.Trp516Ter variant in GAA has been reported in at least 16 individuals (including at least 10 Caucasian individuals) with Glycogen Storage Disease II (PMID: 22676651, 25155446, 14695532, 17027861, 15048888, 18757064, 20826098, 22237443, 25243733, 24715333, 22252923, 26873529, 23601496), and has also been reported pathogenic by EGL and likely pathogenic by Counsyl in ClinVar (Variation ID: 189025). This variant has been identified in 0.002% (2/128904) of European (non-Finnish) chromosomes by the Genome Aggregation Database (gnomAD; dbSNP rs140826989). Although this variant has been seen in the general population, its frequency is low enough to be consistent with a recessive carrier frequency. This nonsense variant leads to a premature termination codon at position 516, which is predicted to lead to a truncated or absent protein. Loss of function of the GAA gene is an established disease mechanism in autosomal recessive Glycogen Storage Disease II. The presence of this variant in combination with 3 pathogenic variants, and in individuals with Glycogen Storage Disease II increases the likelihood that the p.Trp516Ter variant is pathogenic (PMID: 20826098, 25243733, 22237443, 22676651; Variation ID: 4031, 4033). The phenotype of six individuals compound heterozygous for this variant is highly specific for Glycogen Storage Disease II based on their low GAA activity within fibroblasts or a dried blood spot (PMID: 20826098, 23601496, 22237443, 25243733, 26873529, 22676651). In summary, this variant meets criteria to be classified as pathogenic for Glycogen Storage Disease II in an autosomal recessive manner based on the predicted impact of the variant and multiple occurrences with pathogenic GAA variants in individuals with Glycogen Storage Disease II. ACMG/AMP Criteria applied: PVS1, PM3_Strong, PM2, PP4 (Richards 2015).

Women's Health and Genetics/Laboratory Corporation of America, LabCorp
Classification: Pathogenic for Glycogen storage disease, type II. Last evaluated: 2019-09-09. Review status: criteria provided, single submitter. Criteria: LabCorp Variant Classification Summary - May 2015. Collection method: clinical testing. Allele origin: germline. Not counted in ClinVar's aggregate classification.
Comment: Variant summary: GAA c.1548G>A (p.Trp516X) results in a premature termination codon, predicted to cause a truncation of the encoded protein or absence of the protein due to nonsense mediated decay, which are commonly known mechanisms for disease. Truncations downstream of this position have been classified as pathogenic by our laboratory. The variant allele was found at a frequency of 4e-06 in 251134 control chromosomes. c.1548G>A has been reported in the literature in individuals affected with Glycogen Storage Disease, Type 2 (Pompe Disease- eg Hermans_2004, deVries_2010, Messinger_2012, Stepien_2016). These data indicate that the variant is likely to be associated with disease. Three clinical diagnostic laboratories have submitted clinical-significance assessments for this variant to ClinVar (evaluation after 2014) and cited the variant as pathogenic. Based on the evidence outlined above, the variant was classified as pathogenic.

CeGaT Center for Human Genetics Tuebingen
Classification: Pathogenic. Last evaluated: 2019-06-01. Review status: criteria provided, single submitter. Criteria: CeGaT Center For Human Genetics Tuebingen Variant Classification Criteria Version 2. Collection method: clinical testing. Allele origin: germline. Affected: yes. Observed: 5 variant alleles. Not counted in ClinVar's aggregate classification.

Eurofins Ntd Llc (ga)
Classification: Pathogenic. Last evaluated: 2018-06-08. Review status: criteria provided, single submitter. Criteria: EGL ClinVar v180209 classification definitions. Collection method: clinical testing. Allele origin: germline. Observed: 2 variant alleles, 2 heterozygotes. Not counted in ClinVar's aggregate classification.

Kasturba Medical College, Manipal, Kasturba Medical College, Manipal, Manipal Academy of Higher Education, Manipal, India
Classification: Pathogenic for Glycogen storage disease, type II. Review status: criteria provided, single submitter. Criteria: ACMG Guidelines, 2015. Collection method: research. Allele origin: biparental. Inheritance: Autosomal recessive inheritance. Affected: yes. Observed: 1 homozygote. Not counted in ClinVar's aggregate classification.
Comment: This variant is observed in heterozygous state in 80 individuals and is not observed in homozygous state in gnomAD database (v4.1.0). This variant is not observed in homozygous and/or heterozygous state in our in-house data of 3840 exomes. This stop-gain variant introduces a premature stop codon which may either trigger nonsense-mediated mRNA decay or result in a truncated protein product

Rady Children's Institute for Genomic Medicine, Rady Children's Hospital San Diego
Classification: Pathogenic for GLYCOGEN STORAGE DISEASE II. Review status: criteria provided, single submitter. Criteria: ACMG Guidelines, 2015. Collection method: clinical testing. Allele origin: germline. Affected: yes. Not counted in ClinVar's aggregate classification.
Comment: This nonsense variant found in exon 10 of 20 is predicted to result in loss of normal protein function through either protein truncation or nonsense-mediated mRNA decay (NMD). This variant has been previously reported as a compound heterozygous change in patients with Glycogen storage disease II (PMID: 14695532, 29181627, 29122469, 24715333). Loss-of-function variation in GAA is an established mechanism of disease (PMID:18425781, 22252923). This variant has been observed in individuals with low alpha-glucosidase enzyme activity, suggestive of Glycogen storage disease II (PMID: 25243733, 22676651).The c.1548G>A (p.Trp516Ter) variant is present in the heterozygous state in the gnomAD population database at a frequency of 0.00007 (2/282510) and thus is presumed to be rare. Based on the available evidence, the c.1548G>A (p.Trp516Ter) variant is classified as a Pathogenic.

Molecular Therapies Laboratory, Murdoch University
Classification: Pathogenic for Glycogen storage disease, type II. Last evaluated: 2019-01-07. Review status: no assertion criteria provided. Collection method: clinical testing. Allele origin: germline. Affected: yes. Observed: 1 variant allele. Not counted in ClinVar's aggregate classification.

Counsyl
Classification: Likely pathogenic for Glycogen storage disease, type II. Last evaluated: 2014-10-20. Review status: no assertion criteria provided. Collection method: literature only. Allele origin: unknown. Inheritance: Autosomal recessive inheritance. Not counted in ClinVar's aggregate classification.

Clinical Genetics DNA and cytogenetics Diagnostics Lab, Erasmus MC, Erasmus Medical Center
Classification: Pathogenic. Review status: no assertion criteria provided. Collection method: clinical testing. Allele origin: germline. Affected: yes. Study: VKGL Data-share Consensus. Not counted in ClinVar's aggregate classification.

Genome Diagnostics Laboratory, University Medical Center Utrecht
Classification: Pathogenic. Review status: no assertion criteria provided. Collection method: clinical testing. Allele origin: germline. Affected: yes. Study: VKGL Data-share Consensus. Not counted in ClinVar's aggregate classification.

Literature cited by the submitters: PubMed 20826098 (cited by 5 submitters); PubMed 29122469 (cited by 4 submitters); PubMed 26873529 (cited by 4 submitters); PubMed 25626711 (cited by ClinGen Lysosomal Storage Disorder Variant Curation Expert Panel); PubMed 24715333 (cited by 5 submitters); PubMed 30155607 (cited by ClinGen Lysosomal Storage Disorder Variant Curation Expert Panel and Dasa); PubMed 29181627 (cited by 4 submitters); PubMed 22237443 (cited by 3 submitters); PubMed 25243733 (cited by 4 submitters); PubMed 38313679 (cited by Genomenon, Inc); PubMed 38043017 (cited by Genomenon, Inc); PubMed 37087815 (cited by Genomenon, Inc); PubMed 36299500 (cited by Genomenon, Inc); PubMed 35477515 (cited by Genomenon, Inc); PubMed 34852371 (cited by Genomenon, Inc); PubMed 34952985 (cited by Genomenon, Inc); PubMed 34927739 (cited by Genomenon, Inc); PubMed 34357340 (cited by Genomenon, Inc); PubMed 33996274 (cited by Genomenon, Inc); PubMed 33073009 (cited by Genomenon, Inc); PubMed 32888769 (cited by Genomenon, Inc and AiLife Diagnostics); PubMed 32849613 (cited by Genomenon, Inc); PubMed 32248831 (cited by Genomenon, Inc); PubMed 31545528 (cited by Genomenon, Inc); PubMed 18425781 (cited by Labcorp Genetics (formerly Invitae), Labcorp); PubMed 22252923 (cited by 3 submitters); PubMed 14695532 (cited by 5 submitters); PubMed 22676651 (cited by 4 submitters); PubMed 26497565 (cited by Natera, Inc.); PubMed 32317649 (cited by Dasa and Molecular Therapies Laboratory, Murdoch University); PubMed 31086307 (cited by AiLife Diagnostics and Kasturba Medical College, Manipal, Kasturba Medical College, Manipal, Manipal Academy of Higher Education, Manipal, India); PubMed 31965297 (cited by AiLife Diagnostics); PubMed 25525159 (cited by AiLife Diagnostics); PubMed 23601496 (cited by Broad Center for Mendelian Genomics, Broad Institute of MIT and Harvard and Counsyl); PubMed 25155446 (cited by Broad Center for Mendelian Genomics, Broad Institute of MIT and Harvard and Counsyl); PubMed 18757064 (cited by Broad Center for Mendelian Genomics, Broad Institute of MIT and Harvard and Counsyl); PubMed 15048888 (cited by Broad Center for Mendelian Genomics, Broad Institute of MIT and Harvard and Counsyl); PubMed 17027861 (cited by Broad Center for Mendelian Genomics, Broad Institute of MIT and Harvard and Counsyl); PubMed 18607768 (cited by Molecular Therapies Laboratory, Murdoch University); PubMed 30564623 (cited by Molecular Therapies Laboratory, Murdoch University).